The following is an entry in ClinVar:

NM_001378454.1(ALMS1):c.5842A>G (p.Ser1948Gly)

Gene: ALMS1 (ALMS1 centrosome and basal body associated protein; plus strand). Cytogenetic location: 2p13.1.
Variant type: single nucleotide variant.
Coding change: c.5842A>G on transcript NM_001378454.1 (MANE Select); coding-DNA position 5842, A replaced by G.
Protein change: p.Ser1948Gly; replaces serine 1948 with glycine.
Molecular consequence: missense variant.
Genome position (GRCh38, 1-based): chr2:73,452,369, A>G. VCF-style: chr2-73452369-A-G. GRCh37 (hg19) VCF-style: chr2-73679496-A-G.
Other names: c.5845A>G, p.Ser1949Gly (NM_015120.4); short protein forms S1949G, S1948G.
Identifiers: ClinVar variation 550077 (VCV000550077.15), dbSNP rs367728446, ClinGen allele CA1713950.

ClinVar aggregate classification (germline): Conflicting classifications of pathogenicity. Review status: criteria provided, conflicting classifications (1 of 4 stars). 7 submissions from 7 submitters: Uncertain significance (3); Likely benign (1). 3 of the submissions do not count toward it. Last evaluated 2026-04-29.

Conditions:
Alstrom syndrome (ALMS). Identifiers: Orphanet 64, MedGen C0268425, MONDO:0008763, OMIM 203800.
ALMS1-related disorder. Also called: ALMS1-related condition.
Cardiovascular phenotype. Identifiers: MedGen CN230736.

Allele frequency attached by ClinVar (database versions not stated): ExAC 0.00005; TOPMed 0.00013; gnomAD 0.00010 and 0.00011; gnomAD exomes 0.00007 and 0.00004; ESP Exome Variant Server 0.00008.
gnomAD v4.1: 74 of 1,613,918 alleles (0.0046%); highest among the groups gnomAD compares: Middle Eastern, 0.049%; no homozygotes.

Submissions (7):

GeneDx
Classification: Uncertain significance. Last evaluated: 2026-04-29. Review status: criteria provided, single submitter. Criteria: GeneDx Variant Classification Process June 2021. Collection method: clinical testing. Allele origin: germline.
Comment: In silico analysis suggests that this missense variant does not alter protein structure/function; Has not been previously published as pathogenic or benign to our knowledge

Ambry Genetics
Classification: Likely benign for Cardiovascular phenotype. Last evaluated: 2025-05-09. Review status: criteria provided, single submitter. Criteria: Ambry Variant Classification Scheme 2023. Collection method: clinical testing. Allele origin: germline.

Labcorp Genetics (formerly Invitae), Labcorp
Classification: Uncertain significance for Alstrom syndrome. Last evaluated: 2025-01-08. Review status: criteria provided, single submitter. Criteria: Invitae Variant Classification Sherloc (09022015). Collection method: clinical testing. Allele origin: germline.
Comment: This sequence change replaces serine, which is neutral and polar, with glycine, which is neutral and non-polar, at codon 1949 of the ALMS1 protein (p.Ser1949Gly). This variant is present in population databases (rs367728446, gnomAD 0.04%). This variant has not been reported in the literature in individuals affected with ALMS1-related conditions. ClinVar contains an entry for this variant (Variation ID: 550077). Experimental studies and prediction algorithms are not available or were not evaluated, and the functional significance of this variant is currently unknown. In summary, the available evidence is currently insufficient to determine the role of this variant in disease. Therefore, it has been classified as a Variant of Uncertain Significance.

Fulgent Genetics
Classification: Uncertain significance for Alstrom syndrome. Last evaluated: 2022-04-07. Review status: criteria provided, single submitter. Criteria: ACMG Guidelines, 2015. Collection method: clinical testing. Allele origin: unknown.

PreventionGenetics, part of Exact Sciences
Classification: Uncertain significance for ALMS1-related condition. Last evaluated: 2023-12-26. Review status: no assertion criteria provided. Collection method: clinical testing. Allele origin: germline. Not counted in ClinVar's aggregate classification.
Comment: The ALMS1 c.5845A>G variant is predicted to result in the amino acid substitution p.Ile1949Val. To our knowledge, this variant has not been reported in the literature or in a large population database, indicating this variant is rare. At this time, the clinical significance of this variant is uncertain due to the absence of conclusive functional and genetic evidence.

Natera, Inc.
Classification: Uncertain significance for Alstrom syndrome. Last evaluated: 2019-10-28. Review status: no assertion criteria provided. Collection method: clinical testing. Allele origin: germline. Not counted in ClinVar's aggregate classification.

Counsyl
Classification: Uncertain significance for Alstrom syndrome. Last evaluated: 2017-01-06. Review status: no assertion criteria provided. Collection method: clinical testing. Allele origin: unknown. Not counted in ClinVar's aggregate classification.